The following is an entry in ClinVar:

NM_024989.4(PGAP1):c.734G>A (p.Arg245Gln)

Gene: PGAP1 (post-GPI attachment to proteins inositol deacylase 1; minus strand). Cytogenetic location: 2q33.1.
Variant type: single nucleotide variant.
Coding change: c.734G>A on transcript NM_024989.4 (MANE Select); coding-DNA position 734, G replaced by A.
Protein change: p.Arg245Gln; replaces arginine 245 with glutamine.
Molecular consequence: missense variant. On other transcripts: 5 prime UTR variant (1).
Genome position (GRCh38, 1-based): chr2:196,902,658, C>T on the plus strand (G>A on the coding strand, the complement: PGAP1 is on the minus strand). VCF-style: chr2-196902658-C-T. GRCh37 (hg19) VCF-style: chr2-197767382-C-T.
Other names: c.212G>A, p.Arg71Gln (NM_001321099.2); c.-378G>A (NM_001321100.2); short protein forms R245Q, R71Q.
Identifiers: ClinVar variation 2041228 (VCV002041228.4), dbSNP rs757360148, ClinGen allele CA2041130.

ClinVar aggregate classification (germline): Uncertain significance (1 of 4 stars; one submission).

Conditions:
Intellectual disability, autosomal recessive 42 (NEDDSBA). Also called: GLYCOSYLPHOSPHATIDYLINOSITOL BIOSYNTHESIS DEFECT 9; Neurodevelopmental disorder with dysmorphic features, spasticity, and brain abnormalities. Identifiers: Orphanet 88616, MedGen C4014343, MONDO:0014348, OMIM 615802.

Allele frequency attached by ClinVar (database versions not stated): gnomAD exomes 0.00002; ExAC 0.00002.
gnomAD v4.1: 22 of 1,613,178 alleles (0.0014%); highest among the groups gnomAD compares: Admixed American, 0.0033%; no homozygotes.

Submission:

Labcorp Genetics (formerly Invitae), Labcorp
Classification: Uncertain significance for Intellectual disability, autosomal recessive 42. Last evaluated: 2022-08-02. Review status: criteria provided, single submitter. Criteria: Invitae Variant Classification Sherloc (09022015). Collection method: clinical testing. Allele origin: germline.
Comment: This sequence change replaces arginine, which is basic and polar, with glutamine, which is neutral and polar, at codon 245 of the PGAP1 protein (p.Arg245Gln). This variant is present in population databases (rs757360148, gnomAD 0.007%). This variant has not been reported in the literature in individuals affected with PGAP1-related conditions. Algorithms developed to predict the effect of missense changes on protein structure and function are either unavailable or do not agree on the potential impact of this missense change (SIFT: "Tolerated"; PolyPhen-2: "Probably Damaging"; Align-GVGD: "Class C0"). In summary, the available evidence is currently insufficient to determine the role of this variant in disease. Therefore, it has been classified as a Variant of Uncertain Significance.